The following is an entry in ClinVar:

ClinVar aggregate classification (germline): Pathogenic/Likely pathogenic. Review status: criteria provided, multiple submitters, no conflicts (2 of 4 stars). 5 submissions from 5 submitters: Pathogenic (3); Likely pathogenic (1). 1 of the submissions does not count toward it. Last evaluated 2025-11-24.

Conditions:
Hereditary breast ovarian cancer syndrome. Also called: Hereditary breast and ovarian cancer syndrome; Hereditary breast and ovarian cancer; Hereditary breast and ovarian cancer syndrome (HBOC); Breast and ovarian cancer; Hereditary breast and/or ovarian cancer syndrome; BRCA1- and BRCA2-Associated Hereditary Breast and Ovarian Cancer. Identifiers: Orphanet 145, MedGen C0677776, MeSH D061325, MONDO:0003582. Disease mechanism: loss of function.
Hereditary cancer-predisposing syndrome. Also called: Neoplastic Syndromes, Hereditary; Tumor predisposition; Hereditary neoplastic syndrome; Hereditary Cancer Syndrome. Identifiers: Orphanet 140162, MedGen C0027672, MeSH D009386, MONDO:0015356.
Breast-ovarian cancer, familial, susceptibility to, 2 (BROVCA2). Also called: BRCA2 Hereditary Breast and Ovarian Cancer. Identifiers: Orphanet 145, MedGen C2675520, MONDO:0012933, OMIM 612555. Disease mechanism: loss of function.

Submissions (5):

Labcorp Genetics (formerly Invitae), Labcorp
Classification: Pathogenic for Hereditary breast ovarian cancer syndrome. Last evaluated: 2025-11-24. Review status: criteria provided, single submitter. Criteria: Invitae Variant Classification Sherloc (09022015). Collection method: clinical testing. Allele origin: germline.
Comment: This sequence change affects a donor splice site in intron 9 of the BRCA2 gene. It is expected to disrupt RNA splicing. Variants that disrupt the donor or acceptor splice site typically lead to a loss of protein function (PMID: 16199547), and loss-of-function variants in BRCA2 are known to be pathogenic (PMID: 20104584). This variant is not present in population databases (gnomAD no frequency). Disruption of this splice site has been observed in individual(s) with breast and/or ovarian cancer (PMID: 29884136, 35264596). ClinVar contains an entry for this variant (Variation ID: 52438). Studies have shown that disruption of this splice site alters mRNA splicing and is expected to lead to the loss of protein expression (PMID: 30883759). For these reasons, this variant has been classified as Pathogenic.

Ambry Genetics
Classification: Likely pathogenic for Hereditary cancer-predisposing syndrome. Last evaluated: 2025-02-07. Review status: criteria provided, single submitter. Criteria: Ambry Variant Classification Scheme 2023. Collection method: clinical testing. Allele origin: germline.
Comment: The c.793+1G>T intronic variant results from a G to T substitution one nucleotide after coding exon 8 of the BRCA2 gene. This nucleotide position is well conserved in available vertebrate species. In silico splice site analysis predicts that this alteration will weaken the native splice donor site. RNA studies has demonstrated this variant to result in coding exon 8 skipping (also referred to as total exon 9 in the literature; Ambry internal data; Fraile-Bethencourt E et al. J Pathol, 2019 Aug;248:409-420). This variant is considered to be rare based on population cohorts in the Genome Aggregation Database (gnomAD). Based on the majority of available evidence to date, this variant is likely to be pathogenic.

Genologica Medica
Classification: Pathogenic for Breast-ovarian cancer, familial, susceptibility to, 2. Last evaluated: 2017-01-01. Review status: criteria provided, single submitter. Criteria: ACMG Guidelines, 2015. Collection method: clinical testing. Allele origin: germline. Affected: yes.

Consortium of Investigators of Modifiers of BRCA1/2 (CIMBA), c/o University of Cambridge
Classification: Pathogenic for Breast-ovarian cancer, familial, susceptibility to, 2. Last evaluated: 2015-10-02. Review status: criteria provided, single submitter. Criteria: CIMBA Mutation Classification guidelines May 2016. Collection method: clinical testing. Allele origin: germline.

Breast Cancer Information Core (BIC) (BRCA2)
Classification: Pathogenic for Breast-ovarian cancer, familial 2. Last evaluated: 2002-05-29. Review status: no assertion criteria provided. Collection method: clinical testing. Allele origin: germline. Affected: yes. Observed: 1 variant allele. Not counted in ClinVar's aggregate classification.

Literature cited by the submitters: PubMed 16199547 (cited by Labcorp Genetics (formerly Invitae), Labcorp); PubMed 20104584 (cited by Labcorp Genetics (formerly Invitae), Labcorp); PubMed 29884136 (cited by Labcorp Genetics (formerly Invitae), Labcorp); PubMed 35264596 (cited by Labcorp Genetics (formerly Invitae), Labcorp); PubMed 30883759 (cited by Labcorp Genetics (formerly Invitae), Labcorp and Ambry Genetics).

NM_000059.4(BRCA2):c.793+1G>T

Gene: BRCA2 (BRCA2 DNA repair associated; plus strand). Cytogenetic location: 13q13.1.
Variant type: single nucleotide variant.
Coding change: c.793+1G>T on transcript NM_000059.4 (MANE Select); the canonical splice donor site of the intron after coding-DNA position 793, G replaced by T.
Molecular consequence: splice donor variant.
Genome position (GRCh38, 1-based): chr13:32,331,031, G>T. VCF-style: chr13-32331031-G-T. GRCh37 (hg19) VCF-style: chr13-32905168-G-T.
Other names: IVS9+1G>T; c.793+1G>T (NM_001406720.1, NM_001406719.1, NM_001406721.1); c.424+1G>T (NM_001406722.1).
Identifiers: ClinVar variation 52438 (VCV000052438.13), dbSNP rs81002846, ClinGen allele CA025343.
Genomic context (GRCh38, chr13:32,331,031, plus strand): 5'-GATTTATCGCTTCTGTGACAGACAGTGAAAACACAAATCAAAGAGAAGCTGCAAGTCATG[G>T]TAAGTCCTCTGTTTAGTTGAACTACAGGTTTTTTTGTTGTTGTTGTTTTGATTTTTTTTT-3'